The following is an entry in ClinVar:

ClinVar aggregate classification (germline): Uncertain significance. Review status: criteria provided, multiple submitters, no conflicts (2 of 4 stars). 2 submissions from 2 submitters: Uncertain significance (2). Last evaluated 2022-10-26.

Allele frequency attached by ClinVar (database versions not stated): gnomAD exomes 0.00019 and 0.00032; ExAC 0.00020; ESP Exome Variant Server 0.00023; gnomAD 0.00027 and 0.00028; TOPMed 0.00034; 1000 Genomes Project 0.00040; 1000 Genomes Project 30x 0.00047.
gnomAD v4.1: 507 of 1,612,456 alleles (0.031%); highest among the groups gnomAD compares: Non-Finnish European, 0.039%; no homozygotes.

Submissions (2):

Labcorp Genetics (formerly Invitae), Labcorp
Classification: Uncertain significance. Last evaluated: 2022-10-26. Review status: criteria provided, single submitter. Criteria: Invitae Variant Classification Sherloc (09022015). Collection method: clinical testing. Allele origin: germline.
Comment: This sequence change replaces asparagine, which is neutral and polar, with serine, which is neutral and polar, at codon 95 of the IFNAR1 protein (p.Asn95Ser). This variant is present in population databases (rs199975677, gnomAD 0.03%). This variant has not been reported in the literature in individuals affected with IFNAR1-related conditions. Algorithms developed to predict the effect of missense changes on protein structure and function output the following: SIFT: "Tolerated"; PolyPhen-2: "Benign"; Align-GVGD: "Class C0". The serine amino acid residue is found in multiple mammalian species, which suggests that this missense change does not adversely affect protein function. In summary, the available evidence is currently insufficient to determine the role of this variant in disease. Therefore, it has been classified as a Variant of Uncertain Significance.

Ambry Genetics
Classification: Uncertain significance. Last evaluated: 2021-06-22. Review status: criteria provided, single submitter. Criteria: Ambry Variant Classification Scheme 2023. Collection method: clinical testing. Allele origin: germline.

NM_000629.3(IFNAR1):c.284A>G (p.Asn95Ser)

Gene: IFNAR1 (interferon alpha and beta receptor subunit 1; plus strand). Cytogenetic location: 21q22.11.
Variant type: single nucleotide variant.
Coding change: c.284A>G on transcript NM_000629.3 (MANE Select); coding-DNA position 284, A replaced by G.
Protein change: p.Asn95Ser; replaces asparagine 95 with serine.
Molecular consequence: missense variant. On other transcripts: 5 prime UTR variant (2).
Genome position (GRCh38, 1-based): chr21:33,341,082, A>G. VCF-style: chr21-33341082-A-G. GRCh37 (hg19) VCF-style: chr21-34713388-A-G.
Other names: c.284A>G, p.Asn95Ser (NM_001384498.1, NM_001384499.1, NM_001384501.1 and 1 more transcripts); c.-503A>G (NM_001384500.1); c.-179A>G (NM_001384502.1); c.77A>G, p.Asn26Ser (NM_001384504.1); c.284A>G (NM_000629.2); short protein forms N26S, N95S.
Identifiers: ClinVar variation 1061428 (VCV001061428.5), dbSNP rs199975677, ClinGen allele CA10006447.